The following is an entry in ClinVar:

ClinVar aggregate classification (germline): Uncertain significance (1 of 4 stars; one submission).

Conditions:
Lysinuric protein intolerance (LPI). Identifiers: Orphanet 470, MedGen C0268647, MONDO:0009109, OMIM 222700.

Allele frequency attached by ClinVar (database versions not stated): gnomAD 0.00001; TOPMed 0.00001.
gnomAD v4.1: 3 of 1,614,022 alleles (0.00019%); highest among the groups gnomAD compares: Non-Finnish European, 0.00025%; no homozygotes.

Submission:

Labcorp Genetics (formerly Invitae), Labcorp
Classification: Uncertain significance for Lysinuric protein intolerance. Last evaluated: 2022-03-06. Review status: criteria provided, single submitter. Criteria: Invitae Variant Classification Sherloc (09022015). Collection method: clinical testing. Allele origin: germline.
Comment: This sequence change replaces serine, which is neutral and polar, with glycine, which is neutral and non-polar, at codon 66 of the SLC7A7 protein (p.Ser66Gly). This variant is not present in population databases (gnomAD no frequency). This variant has not been reported in the literature in individuals affected with SLC7A7-related conditions. Algorithms developed to predict the effect of missense changes on protein structure and function are either unavailable or do not agree on the potential impact of this missense change (SIFT: "Tolerated"; PolyPhen-2: "Probably Damaging"; Align-GVGD: "Class C0"). In summary, the available evidence is currently insufficient to determine the role of this variant in disease. Therefore, it has been classified as a Variant of Uncertain Significance.

NM_003982.4(SLC7A7):c.196A>G (p.Ser66Gly)

Gene: SLC7A7 (solute carrier family 7 member 7; minus strand). Cytogenetic location: 14q11.2.
Variant type: single nucleotide variant.
Coding change: c.196A>G on transcript NM_003982.4 (MANE Select); coding-DNA position 196, A replaced by G.
Protein change: p.Ser66Gly; replaces serine 66 with glycine.
Molecular consequence: missense variant.
Genome position (GRCh38, 1-based): chr14:22,813,203, T>C on the plus strand (A>G on the coding strand, the complement: SLC7A7 is on the minus strand). VCF-style: chr14-22813203-T-C. GRCh37 (hg19) VCF-style: chr14-23282412-T-C.
Other names: c.196A>G, p.Ser66Gly (NM_001126105.3, NM_001126106.4); short protein forms S66G.
Identifiers: ClinVar variation 1942520 (VCV001942520.2), dbSNP rs769986701, ClinGen allele CA257714868.